The following is an entry in ClinVar:

ClinVar aggregate classification (germline): Likely benign (1 of 4 stars; one submission).

gnomAD v4.1: 1,951 of 1,612,308 alleles (0.12%); highest among the groups gnomAD compares: Non-Finnish European, 0.14%; 2 homozygotes.

Submission:

CeGaT Center for Human Genetics Tuebingen
Classification: Likely benign. Last evaluated: 2026-07-01. Review status: criteria provided, single submitter. Criteria: CeGaT Center For Human Genetics Tuebingen Variant Classification Criteria Version 2. Collection method: clinical testing. Allele origin: germline. Affected: yes. Observed: 1 variant allele.
Comment: RBBP6: BP4, BP7

NM_006910.5(RBBP6):c.2874G>A (p.Arg958=)

Gene: RBBP6 (RB binding protein 6, ubiquitin ligase; plus strand). Cytogenetic location: 16p12.1.
Variant type: single nucleotide variant.
Coding change: c.2874G>A on transcript NM_006910.5 (MANE Select); coding-DNA position 2874, G replaced by A.
Protein change: p.Arg958=; no amino-acid change (arginine 958 retained).
Molecular consequence: synonymous variant.
Genome position (GRCh38, 1-based): chr16:24,569,564, G>A. VCF-style: chr16-24569564-G-A. GRCh37 (hg19) VCF-style: chr16-24580885-G-A.
Other names: c.2772G>A, p.Arg924= (NM_018703.4).
Identifiers: ClinVar variation 5038680 (VCV005038680.1).